The following is an entry in ClinVar:

NM_001348323.3(TRIP12):c.600G>T (p.Lys200Asn)

Gene: TRIP12 (thyroid hormone receptor interactor 12; minus strand). Cytogenetic location: 2q36.3.
Variant type: single nucleotide variant.
Coding change: c.600G>T on transcript NM_001348323.3 (MANE Select); coding-DNA position 600, G replaced by T.
Protein change: p.Lys200Asn; replaces lysine 200 with asparagine.
Molecular consequence: missense variant. On other transcripts: intron variant (1).
Genome position (GRCh38, 1-based): chr2:229,859,199, C>A on the plus strand (G>T on the coding strand, the complement: TRIP12 is on the minus strand). VCF-style: chr2-229859199-C-A. GRCh37 (hg19) VCF-style: chr2-230723915-C-A.
Other names: c.600G>T, p.Lys200Asn (NM_001284214.2, NM_001348315.2, NM_001348319.1 and 15 more transcripts); c.474G>T, p.Lys158Asn (NM_001284215.2, NM_001348316.2, NM_001348317.1 and 3 more transcripts); c.98+20783G>T (NM_001284216.2); c.474G>T (NM_004238.1); short protein forms K158N, K200N.
Identifiers: ClinVar variation 2629599 (VCV002629599.3), dbSNP rs934280751, ClinGen allele CA66715953.

ClinVar aggregate classification (germline): Uncertain significance. Review status: criteria provided, multiple submitters, no conflicts (2 of 4 stars). 2 submissions from 2 submitters: Uncertain significance (2). Last evaluated 2026-06-23.

Conditions:
TRIP12-related disorder. Also called: TRIP12-related condition.
Inborn genetic diseases. Identifiers: MedGen C0950123, MeSH D030342.

Allele frequency attached by ClinVar (database versions not stated): TOPMed below 0.00001.
gnomAD v4.1: 9 of 1,614,166 alleles (0.00056%); highest among the groups gnomAD compares: Non-Finnish European, 0.00076%; no homozygotes.

Submissions (2):

Ambry Genetics
Classification: Uncertain significance for Inborn genetic diseases. Last evaluated: 2026-06-23. Review status: criteria provided, single submitter. Criteria: Ambry Variant Classification Scheme 2023. Collection method: clinical testing. Allele origin: germline.

PreventionGenetics, part of Exact Sciences
Classification: Uncertain significance for TRIP12-related condition. Last evaluated: 2026-01-14. Review status: criteria provided, single submitter. Criteria: ACMG Guidelines, 2015. Collection method: clinical testing. Allele origin: germline.
Comment: The TRIP12 c.600G>T variant is predicted to result in the amino acid substitution p.Lys200Asn. To our knowledge, this variant has not been reported in the literature or in a large population database (gnomAD), indicating this variant is rare. At this time, the clinical significance of this variant is uncertain due to the absence of conclusive functional and genetic evidence.